The following is an entry in ClinVar:

ClinVar aggregate classification (germline): Benign/Likely benign. Review status: criteria provided, multiple submitters, no conflicts (2 of 4 stars). 4 submissions from 4 submitters: Benign (1); Likely benign (3). Last evaluated 2025-01-03.

Conditions:
Lynch syndrome 5 (LYNCH5). Also called: Hereditary non-polyposis colorectal cancer, type 5; Colorectal cancer, hereditary nonpolyposis, type 5. Identifiers: Orphanet 144, MedGen C1833477, MONDO:0013710, OMIM 614350. Disease mechanism: loss of function.
Hereditary cancer-predisposing syndrome. Also called: Hereditary neoplastic syndrome; Tumor predisposition; Neoplastic Syndromes, Hereditary; Hereditary Cancer Syndrome. Identifiers: Orphanet 140162, MedGen C0027672, MeSH D009386, MONDO:0015356.
Hereditary nonpolyposis colorectal neoplasms. Identifiers: MedGen C0009405, MeSH D003123.

Allele frequency attached by ClinVar (database versions not stated): gnomAD exomes below 0.00001.
gnomAD v4.1: 2 of 1,614,162 alleles (0.00012%); highest among the groups gnomAD compares: Non-Finnish European, 0.00017%; no homozygotes.

Submissions (4):

Myriad Genetics, Inc.
Classification: Benign for Lynch syndrome 5. Last evaluated: 2025-01-03. Review status: criteria provided, single submitter. Criteria: Myriad Autosomal Dominant, Autosomal Recessive and X-Linked Classification Criteria (2023). Collection method: clinical testing. Allele origin: unknown.
Comment: This variant is considered benign. This variant is a silent/synonymous amino acid change and it is not expected to impact splicing.

Ambry Genetics
Classification: Likely benign for Hereditary cancer-predisposing syndrome. Last evaluated: 2021-08-09. Review status: criteria provided, single submitter. Criteria: Ambry Variant Classification Scheme 2023. Collection method: clinical testing. Allele origin: germline.

Labcorp Genetics (formerly Invitae), Labcorp
Classification: Likely benign for Hereditary nonpolyposis colorectal neoplasms. Last evaluated: 2021-04-11. Review status: criteria provided, single submitter. Criteria: Invitae Variant Classification Sherloc (09022015). Collection method: clinical testing. Allele origin: germline.

GeneDx
Classification: Likely benign. Last evaluated: 2019-12-09. Review status: criteria provided, single submitter. Criteria: GeneDx Variant Classification Process June 2021. Collection method: clinical testing. Allele origin: germline. Affected: yes.
Comment: Not observed in large population cohorts (Lek et al., 2016)

NM_000179.3(MSH6):c.2833A>C (p.Arg945=)

Gene: MSH6 (mutS homolog 6; plus strand). Cytogenetic location: 2p16.3.
Variant type: single nucleotide variant.
Coding change: c.2833A>C on transcript NM_000179.3 (MANE Select); coding-DNA position 2833, A replaced by C.
Protein change: p.Arg945=; no amino-acid change (arginine 945 retained).
Molecular consequence: synonymous variant.
Genome position (GRCh38, 1-based): chr2:47,800,816, A>C. VCF-style: chr2-47800816-A-C. GRCh37 (hg19) VCF-style: chr2-48027955-A-C.
Other names: c.2443A>C, p.Arg815= (NM_001281492.2); c.1927A>C, p.Arg643= (NM_001281493.2, NM_001281494.2).
Identifiers: ClinVar variation 1182875 (VCV001182875.13), dbSNP rs2104426257, ClinGen allele CA426121804.